The following is an entry in ClinVar:

ClinVar aggregate classification (germline): Pathogenic (1 of 4 stars; one submission).

Conditions:
Treacher Collins syndrome 1 (TCS1). Also called: TCOF1-Related Treacher Collins Syndrome. Identifiers: Orphanet 861, MedGen CN315775, MONDO:0007944, OMIM 154500.

Submission:

Labcorp Genetics (formerly Invitae), Labcorp
Classification: Pathogenic for Treacher Collins syndrome 1. Last evaluated: 2020-09-24. Review status: criteria provided, single submitter. Criteria: Invitae Variant Classification Sherloc (09022015). Collection method: clinical testing. Allele origin: germline.
Comment: This sequence change creates a premature translational stop signal (p.Ala443Glyfs*7) in the TCOF1 gene. It is expected to result in an absent or disrupted protein product. This variant is not present in population databases (ExAC no frequency). This variant has not been reported in the literature in individuals with TCOF1-related conditions. Loss-of-function variants in TCOF1 are known to be pathogenic (PMID: 8894686, 22317976). For these reasons, this variant has been classified as Pathogenic.

Literature cited by the submitters: PubMed 8894686; PubMed 22317976.

NM_001371623.1(TCOF1):c.1328_1350del (p.Ala443fs)

Gene: TCOF1 (treacle ribosome biogenesis factor 1; plus strand). Cytogenetic location: 5q32.
Variant type: Deletion.
Coding change: c.1328_1350del on transcript NM_001371623.1 (MANE Select); coding-DNA positions 1328 to 1350, 23 bases deleted (CCAAGGAGTCCCCCAGGAAAGGG).
Protein change: p.Ala443fs; shifts the reading frame from alanine 443.
Molecular consequence: frameshift variant.
Genome position (GRCh38, 1-based): chr5:150,375,003-150,375,025, CCAAGGAGTCCCCCAGGAAAGGG deleted; deleting any 23 consecutive bases within chr5:150,375,002-150,375,025 gives the same sequence; the c. name uses the placement nearest the transcript's 3' end. VCF-style (leftmost placement, unchanged base first): chr5-150375001-TGCCAAGGAGTCCCCCAGGAAAGG-T. GRCh37 (hg19) VCF-style: chr5-149754564-TGCCAAGGAGTCCCCCAGGAAAGG-T.
Other names: c.1097_1119del, p.Ala366fs (NM_000356.4, NM_001135245.2); c.1328_1350del, p.Ala443fs (NM_001008657.3, NM_001135243.2, NM_001135244.2 and 1 more transcripts); short protein forms A366fs, A443fs.
Identifiers: ClinVar variation 1074227 (VCV001074227.2), dbSNP rs2150704850, ClinGen allele CA2499217741.